The following is an entry in ClinVar:

ClinVar aggregate classification (germline): Uncertain significance (1 of 4 stars; one submission).

Conditions:
Developmental and epileptic encephalopathy, 12 (DEE12). Identifiers: MedGen C3150988, MONDO:0013389, OMIM 613722.

Submission:

Labcorp Genetics (formerly Invitae), Labcorp
Classification: Uncertain significance for Developmental and epileptic encephalopathy, 12. Last evaluated: 2018-02-13. Review status: criteria provided, single submitter. Criteria: Invitae Variant Classification Sherloc (09022015). Collection method: clinical testing. Allele origin: germline.
Comment: In summary, the available evidence is currently insufficient to determine the role of this variant in disease. Therefore, it has been classified as a Variant of Uncertain Significance. Nucleotide substitutions within the consensus splice site are a relatively common cause of aberrant splicing (PMID: 17576681, 9536098). Algorithms developed to predict the effect of sequence changes on RNA splicing suggest that this variant may disrupt the consensus splice site, but this prediction has not been confirmed by published transcriptional studies. This variant has not been reported in the literature in individuals with PLCB1-related disease. This variant is not present in population databases (ExAC no frequency). This sequence change falls in intron 3 of the PLCB1 gene. It does not directly change the encoded amino acid sequence of the PLCB1 protein, but it affects a nucleotide within the consensus splice site of the intron.

Literature cited by the submitters: PubMed 17576681; PubMed 9536098.

NM_015192.4(PLCB1):c.247-3C>A

Gene: PLCB1 (phospholipase C beta 1; plus strand). Cytogenetic location: 20p12.3.
Variant type: single nucleotide variant.
Coding change: c.247-3C>A on transcript NM_015192.4 (MANE Select); 3 bases into the intron before coding-DNA position 247, C replaced by A.
Molecular consequence: intron variant.
Genome position (GRCh38, 1-based): chr20:8,628,291, C>A. VCF-style: chr20-8628291-C-A. GRCh37 (hg19) VCF-style: chr20-8608938-C-A.
Other names: c.247-3C>A (NM_182734.3).
Identifiers: ClinVar variation 572753 (VCV000572753.9), dbSNP rs1568534926, ClinGen allele CA408261883.